The following is an entry in ClinVar:

NM_024757.5(EHMT1):c.3042C>T (p.Ile1014=)

Gene: EHMT1 (euchromatic histone lysine methyltransferase 1; plus strand). Cytogenetic location: 9q34.3.
Variant type: single nucleotide variant.
Coding change: c.3042C>T on transcript NM_024757.5 (MANE Select); coding-DNA position 3042, C replaced by T.
Protein change: p.Ile1014=; no amino-acid change (isoleucine 1014 retained).
Molecular consequence: synonymous variant.
Genome position (GRCh38, 1-based): chr9:137,813,392, C>T. VCF-style: chr9-137813392-C-T. GRCh37 (hg19) VCF-style: chr9-140707844-C-T.
Other names: c.3021C>T, p.Ile1007= (NM_001354263.2).
Identifiers: ClinVar variation 723788 (VCV000723788.40), dbSNP rs143083438, ClinGen allele CA5375150.
Genomic context (GRCh38, chr9:137,813,392, plus strand): 5'-CCCCCTGGGCAGAGCACGTCAGCCACCAGGTGACACCTGTCCTTTCCATGGCAGGGACAT[C>T]GCTCGAGGCTACGAGCGCATCCCCATCCCCTGTGTCAACGCCGTGGACAGCGAGCCATGC-3'
Protein context (NP_079033.4, residues 1004-1024): SPVERIVSRD[Ile1014=]ARGYERIPIP

ClinVar aggregate classification (germline): Likely benign. Review status: criteria provided, multiple submitters, no conflicts (2 of 4 stars). 4 submissions from 4 submitters: Likely benign (4). Last evaluated 2025-03-30.

Conditions:
Inborn genetic diseases. Identifiers: MedGen C0950123, MeSH D030342.
Kleefstra syndrome 1 (KLEFS1). Identifiers: Orphanet 261494, MedGen C0795833, MONDO:0027407, OMIM 610253.

Allele frequency attached by ClinVar (database versions not stated): gnomAD exomes 0.00001 and 0.00002; ExAC 0.00002; TOPMed 0.00003; ESP Exome Variant Server 0.00008.
gnomAD v4.1: 26 of 1,611,030 alleles (0.0016%); highest among the groups gnomAD compares: Admixed American, 0.0084%; no homozygotes.

Submissions (4):

Labcorp Genetics (formerly Invitae), Labcorp
Classification: Likely benign for Kleefstra syndrome 1. Last evaluated: 2025-03-30. Review status: criteria provided, single submitter. Criteria: Invitae Variant Classification Sherloc (09022015). Collection method: clinical testing. Allele origin: germline.

CeGaT Center for Human Genetics Tuebingen
Classification: Likely benign. Last evaluated: 2023-03-01. Review status: criteria provided, single submitter. Criteria: CeGaT Center For Human Genetics Tuebingen Variant Classification Criteria Version 2. Collection method: clinical testing. Allele origin: germline. Affected: yes. Observed: 1 variant allele.
Comment: EHMT1: BP4, BP7

GeneDx
Classification: Likely benign. Last evaluated: 2021-04-19. Review status: criteria provided, single submitter. Criteria: GeneDx Variant Classification Process June 2021. Collection method: clinical testing. Allele origin: germline. Affected: yes.

Ambry Genetics
Classification: Likely benign for Inborn genetic diseases. Last evaluated: 2017-06-14. Review status: criteria provided, single submitter. Criteria: Ambry Variant Classification Scheme 2023. Collection method: clinical testing. Allele origin: germline.